The following is an entry in ClinVar:

NM_000154.2(GALK1):c.719G>A (p.Arg240Gln)

Gene: GALK1 (galactokinase 1; minus strand). Cytogenetic location: 17q25.1.
Variant type: single nucleotide variant.
Coding change: c.719G>A on transcript NM_000154.2 (MANE Select); coding-DNA position 719, G replaced by A.
Protein change: p.Arg240Gln; replaces arginine 240 with glutamine.
Molecular consequence: missense variant.
Genome position (GRCh38, 1-based): chr17:75,762,778, C>T on the plus strand (G>A on the coding strand, the complement: GALK1 is on the minus strand). VCF-style: chr17-75762778-C-T. GRCh37 (hg19) VCF-style: chr17-73758859-C-T.
Other names: c.719G>A, p.Arg240Gln (NM_001381985.1); short protein forms R240Q.
Identifiers: ClinVar variation 2040527 (VCV002040527.1), dbSNP rs145837971, ClinGen allele CA8770849.

ClinVar aggregate classification (germline): Uncertain significance (1 of 4 stars; one submission).

Conditions:
Deficiency of galactokinase. Also called: GALACTOSEMIA II; Galactokinase deficiency with cataracts. Identifiers: Orphanet 352, Orphanet 79237, MedGen C0268155, MONDO:0009255, OMIM 230200.

Allele frequency attached by ClinVar (database versions not stated): gnomAD exomes 0.00002; ExAC 0.00003; gnomAD 0.00012; TOPMed 0.00015; ESP Exome Variant Server 0.00023.
gnomAD v4.1: 51 of 1,613,788 alleles (0.0032%); highest among the groups gnomAD compares: African/African-American, 0.035%; no homozygotes.

Submission:

Labcorp Genetics (formerly Invitae), Labcorp
Classification: Uncertain significance for Deficiency of galactokinase. Last evaluated: 2021-08-31. Review status: criteria provided, single submitter. Criteria: Invitae Variant Classification Sherloc (09022015). Collection method: clinical testing. Allele origin: germline.
Comment: This sequence change replaces arginine with glutamine at codon 240 of the GALK1 protein (p.Arg240Gln). The arginine residue is highly conserved and there is a small physicochemical difference between arginine and glutamine. This variant is present in population databases (rs145837971, ExAC 0.02%). This variant has not been reported in the literature in individuals affected with GALK1-related conditions. Algorithms developed to predict the effect of missense changes on protein structure and function are either unavailable or do not agree on the potential impact of this missense change (SIFT: "Tolerated"; PolyPhen-2: "Possibly Damaging"; Align-GVGD: "Class C0"). Algorithms developed to predict the effect of sequence changes on RNA splicing suggest that this variant may create or strengthen a splice site. In summary, the available evidence is currently insufficient to determine the role of this variant in disease. Therefore, it has been classified as a Variant of Uncertain Significance.